The following is an entry in ClinVar:

ClinVar aggregate classification (germline): Likely benign. Review status: criteria provided, multiple submitters, no conflicts (2 of 4 stars). 2 submissions from 2 submitters: Likely benign (2). Last evaluated 2024-08-10.

Conditions:
Dilated cardiomyopathy 1G (CMD1G). Identifiers: Orphanet 154, MedGen C1858763, MONDO:0011400, OMIM 604145.
Autosomal recessive limb-girdle muscular dystrophy type 2J (LGMDR10). Also called: Limb-girdle muscular dystrophy, type 2J; MUSCULAR DYSTROPHY, LIMB-GIRDLE, AUTOSOMAL RECESSIVE 10. Identifiers: Orphanet 140922, MedGen C1837342, MONDO:0012127, OMIM 608807.

Submissions (2):

Labcorp Genetics (formerly Invitae), Labcorp
Classification: Likely benign for Dilated cardiomyopathy 1G; Autosomal recessive limb-girdle muscular dystrophy type 2J. Last evaluated: 2024-08-10. Review status: criteria provided, single submitter. Criteria: Invitae Variant Classification Sherloc (09022015). Collection method: clinical testing. Allele origin: germline.

GeneDx
Classification: Likely benign. Last evaluated: 2017-03-31. Review status: criteria provided, single submitter. Criteria: GeneDx Variant Classification (06012015). Collection method: clinical testing. Allele origin: germline. Affected: yes.
Comment: This variant is considered likely benign or benign based on one or more of the following criteria: it is a conservative change, it occurs at a poorly conserved position in the protein, it is predicted to be benign by multiple in silico algorithms, and/or has population frequency not consistent with disease.

NM_001267550.2(TTN):c.28465C>A (p.Arg9489=)

Gene: TTN (titin; minus strand). Cytogenetic location: 2q31.2.
Variant type: single nucleotide variant.
Coding change: c.28465C>A on transcript NM_001267550.2 (MANE Select); coding-DNA position 28465, C replaced by A.
Protein change: p.Arg9489=; no amino-acid change (arginine 9489 retained).
Molecular consequence: synonymous variant. On other transcripts: intron variant (3).
Genome position (GRCh38, 1-based): chr2:178,709,854, G>T on the plus strand (C>A on the coding strand, the complement: TTN is on the minus strand). VCF-style: chr2-178709854-G-T. GRCh37 (hg19) VCF-style: chr2-179574581-G-T.
Other names: c.27514C>A, p.Arg9172= (NM_001256850.1); c.24733C>A, p.Arg8245= (NM_133378.4); c.13282+28228C>A (NM_003319.4); c.13858+28228C>A (NM_133437.4); c.13657+28228C>A (NM_133432.3).
Identifiers: ClinVar variation 508719 (VCV000508719.3), dbSNP rs200489972, ClinGen allele CA430279971.